The following is an entry in ClinVar:

NM_000057.4(BLM):c.997G>T (p.Asp333Tyr)

Gene: BLM (BLM RecQ like helicase; plus strand). Cytogenetic location: 15q26.1.
Variant type: single nucleotide variant.
Coding change: c.997G>T on transcript NM_000057.4 (MANE Select); coding-DNA position 997, G replaced by T.
Protein change: p.Asp333Tyr; replaces aspartic acid 333 with tyrosine.
Molecular consequence: missense variant. On other transcripts: 5 prime UTR variant (1).
Genome position (GRCh38, 1-based): chr15:90,754,848, G>T. VCF-style: chr15-90754848-G-T. GRCh37 (hg19) VCF-style: chr15-91298078-G-T.
Other names: c.997G>T, p.Asp333Tyr (NM_001287246.2, NM_001287247.2); c.-295G>T (NM_001287248.2); short protein forms D333Y.
Identifiers: ClinVar variation 1401797 (VCV001401797.5), dbSNP rs1567037944, ClinGen allele CA393842063.
Genomic context (GRCh38, chr15:90,754,848, plus strand): 5'-CTTAACATTTTTTTTATTTGCAGTACGTTAAAGGACCTTGACACCTCTGACAGAAAAGAG[G>T]ATGTTCTTAGCACATCAAAAGATCTTTTGTCAAAACCTGAGAAAATGAGTATGCAGGAGC-3'
Protein context (NP_000048.1, residues 323-343): KDLDTSDRKE[Asp333Tyr]VLSTSKDLLS

ClinVar aggregate classification (germline): Uncertain significance. Review status: criteria provided, multiple submitters, no conflicts (2 of 4 stars). 2 submissions from 2 submitters: Uncertain significance (2). Last evaluated 2023-11-09.

Conditions:
Bloom syndrome (BLM). Also called: Bloom-Torre-Machacek syndrome. Identifiers: Orphanet 125, MedGen C0005859, MONDO:0008876, OMIM 210900.
Hereditary cancer-predisposing syndrome. Also called: Hereditary Cancer Syndrome; Hereditary neoplastic syndrome; Tumor predisposition; Neoplastic Syndromes, Hereditary. Identifiers: Orphanet 140162, MedGen C0027672, MeSH D009386, MONDO:0015356.

Allele frequency attached by ClinVar (database versions not stated): gnomAD exomes below 0.00001.
gnomAD v4.1: 3 of 1,613,860 alleles (0.00019%); highest among the groups gnomAD compares: Non-Finnish European, 0.00017%; no homozygotes.

Submissions (2):

Ambry Genetics
Classification: Uncertain significance for Hereditary cancer-predisposing syndrome. Last evaluated: 2023-11-09. Review status: criteria provided, single submitter. Criteria: Ambry Variant Classification Scheme 2023. Collection method: clinical testing. Allele origin: germline.
Comment: The p.D333Y variant (also known as c.997G>T), located in coding exon 4 of the BLM gene, results from a G to T substitution at nucleotide position 997. The aspartic acid at codon 333 is replaced by tyrosine, an amino acid with highly dissimilar properties. This amino acid position is poorly conserved in available vertebrate species. In addition, this alteration is predicted to be tolerated by in silico analysis. Since supporting evidence is limited at this time, the clinical significance of this alteration remains unclear.

Labcorp Genetics (formerly Invitae), Labcorp
Classification: Uncertain significance for Bloom syndrome. Last evaluated: 2021-10-02. Review status: criteria provided, single submitter. Criteria: Invitae Variant Classification Sherloc (09022015). Collection method: clinical testing. Allele origin: germline.
Comment: This sequence change replaces aspartic acid with tyrosine at codon 333 of the BLM protein (p.Asp333Tyr). The aspartic acid residue is weakly conserved and there is a large physicochemical difference between aspartic acid and tyrosine. This variant is not present in population databases (ExAC no frequency). This variant has not been reported in the literature in individuals affected with BLM-related conditions. Algorithms developed to predict the effect of missense changes on protein structure and function (SIFT, PolyPhen-2, Align-GVGD) all suggest that this variant is likely to be tolerated. Algorithms developed to predict the effect of sequence changes on RNA splicing suggest that this variant may create or strengthen a splice site. In summary, the available evidence is currently insufficient to determine the role of this variant in disease. Therefore, it has been classified as a Variant of Uncertain Significance.